The following is an entry in ClinVar:

ClinVar aggregate classification (germline): Uncertain significance. Review status: criteria provided, multiple submitters, no conflicts (2 of 4 stars). 2 submissions from 2 submitters: Uncertain significance (2). Last evaluated 2022-08-19.

Conditions:
Inborn genetic diseases. Identifiers: MedGen C0950123, MeSH D030342.

Allele frequency attached by ClinVar (database versions not stated): TOPMed 0.00001; gnomAD 0.00001.
gnomAD v4.1: 1 of 1,613,916 alleles (0.000062%); highest among the groups gnomAD compares: Non-Finnish European, 0.000085%; no homozygotes.

Submissions (2):

Labcorp Genetics (formerly Invitae), Labcorp
Classification: Uncertain significance. Last evaluated: 2022-08-19. Review status: criteria provided, single submitter. Criteria: Invitae Variant Classification Sherloc (09022015). Collection method: clinical testing. Allele origin: germline.
Comment: This variant is present in population databases (no rsID available, gnomAD 0.007%). This variant has not been reported in the literature in individuals affected with ERCC2-related conditions. ClinVar contains an entry for this variant (Variation ID: 1407291). Algorithms developed to predict the effect of missense changes on protein structure and function are either unavailable or do not agree on the potential impact of this missense change (SIFT: "Deleterious"; PolyPhen-2: "Benign"; Align-GVGD: "Class C0"). In summary, the available evidence is currently insufficient to determine the role of this variant in disease. Therefore, it has been classified as a Variant of Uncertain Significance. This sequence change replaces aspartic acid, which is acidic and polar, with histidine, which is basic and polar, at codon 393 of the ERCC2 protein (p.Asp393His).

Ambry Genetics
Classification: Uncertain significance for Inborn genetic diseases. Last evaluated: 2022-05-19. Review status: criteria provided, single submitter. Criteria: Ambry Variant Classification Scheme 2023. Collection method: clinical testing. Allele origin: germline.
Comment: The p.D393H variant (also known as c.1177G>C), located in coding exon 12 of the ERCC2 gene, results from a G to C substitution at nucleotide position 1177. The aspartic acid at codon 393 is replaced by histidine, an amino acid with similar properties. This amino acid position is conserved. In addition, this alteration is predicted to be deleterious by in silico analysis. Since supporting evidence is limited at this time, the clinical significance of this alteration remains unclear.

NM_000400.4(ERCC2):c.1177G>C (p.Asp393His)

Gene: ERCC2 (ERCC excision repair 2, TFIIH core complex helicase subunit; minus strand). Cytogenetic location: 19q13.32.
Variant type: single nucleotide variant.
Coding change: c.1177G>C on transcript NM_000400.4 (MANE Select); coding-DNA position 1177, G replaced by C.
Protein change: p.Asp393His; replaces aspartic acid 393 with histidine.
Molecular consequence: missense variant.
Genome position (GRCh38, 1-based): chr19:45,361,584, C>G on the plus strand (G>C on the coding strand, the complement: ERCC2 is on the minus strand). VCF-style: chr19-45361584-C-G. GRCh37 (hg19) VCF-style: chr19-45864842-C-G.
Other names: c.1105G>C, p.Asp369His (NM_001130867.2); short protein forms D369H, D393H.
Identifiers: ClinVar variation 1407291 (VCV001407291.7), dbSNP rs1486595851, ClinGen allele CA406369976.
Genomic context (GRCh38, chr19:45,361,584, plus strand): 5'-CTTTGGCGTAGGTGCTGACAAGGGTGGCAAAGTTAGCAAGGAGGGTGAGCGGGGAGAAGT[C>G]AGCAAGGTCGGTGATCTCCAGAGTATGCAGCAGGGACCGGAGGCGTTCAGCACAGAATCT-3'
Protein context (NP_000391.1, residues 383-403): LHTLEITDLA[Asp393His]FSPLTLLANF